The following is an entry in ClinVar:

ClinVar aggregate classification (germline): Uncertain significance (1 of 4 stars; one submission).

gnomAD v4.1: 3 of 1,441,826 alleles (0.00021%); highest among the groups gnomAD compares: African/African-American, 0.0015%; no homozygotes.

Submission:

Genetic Services Laboratory, University of Chicago
Classification: Uncertain significance. Last evaluated: 2023-03-03. Review status: criteria provided, single submitter. Criteria: ACMG Guidelines, 2015. Collection method: clinical testing. Allele origin: germline. Affected: no.
Comment: DNA sequence analysis of the ARID1A gene demonstrated a sequence change, c.716C>T, in exon 1 that results in an amino acid change, p.Pro239Leu. This sequence change does not appear to have been previously described in individuals with ARID1A-related disorders. This sequence change has been described in the gnomAD database with a global frequency of 0.003% (dbSNP rs1471878830). The p.Pro239Leu change affects a moderately conserved amino acid residue located in a domain of the ARID1A protein that is not known to be functional. In-silico pathogenicity prediction tools (SIFT, PolyPhen2, Align GVGD, REVEL) provide contradictory results for the p.Pro239Leu substitution. Due to insufficient evidences and the lack of functional studies, the clinical significance of the p.Pro239Leu change remains unknown at this time.

NM_006015.6(ARID1A):c.716C>T (p.Pro239Leu)

Genes: ARID1A (AT-rich interaction domain 1A; plus strand), LOC129929837 (ATAC-STARR-seq lymphoblastoid silent region 489; plus strand). Cytogenetic location: 1p36.11.
Variant type: single nucleotide variant.
Coding change: c.716C>T on transcript NM_006015.6 (MANE Select); coding-DNA position 716, C replaced by T.
Protein change: p.Pro239Leu; replaces proline 239 with leucine.
Molecular consequence: missense variant.
Genome position (GRCh38, 1-based): chr1:26,697,119, C>T. VCF-style: chr1-26697119-C-T. GRCh37 (hg19) VCF-style: chr1-27023610-C-T.
Other names: c.716C>T, p.Pro239Leu (NM_139135.4); short protein forms P239L.
Identifiers: ClinVar variation 4082492 (VCV004082492.2).